The following is an entry in ClinVar:

ClinVar aggregate classification (germline): Uncertain significance (1 of 4 stars; one submission).

gnomAD v4.1: 4 of 1,606,674 alleles (0.00025%); highest among the groups gnomAD compares: Non-Finnish European, 0.00034%; no homozygotes.

Submission:

Ambry Genetics
Classification: Uncertain significance. Last evaluated: 2024-10-18. Review status: criteria provided, single submitter. Criteria: Ambry Variant Classification Scheme 2023. Collection method: clinical testing. Allele origin: germline.
Comment: The p.T2430R variant (also known as c.7289C>G), located in coding exon 27 of the POLQ gene, results from a C to G substitution at nucleotide position 7289. The threonine at codon 2430 is replaced by arginine, an amino acid with similar properties. This amino acid position is conserved. In addition, this alteration is predicted to be deleterious by in silico analysis. Based on the available evidence, the clinical significance of this variant remains unclear.

NM_199420.4(POLQ):c.7289C>G (p.Thr2430Arg)

Gene: POLQ (DNA polymerase theta; minus strand). Cytogenetic location: 3q13.33.
Variant type: single nucleotide variant.
Coding change: c.7289C>G on transcript NM_199420.4 (MANE Select); coding-DNA position 7289, C replaced by G.
Protein change: p.Thr2430Arg; replaces threonine 2430 with arginine.
Molecular consequence: missense variant.
Genome position (GRCh38, 1-based): chr3:121,440,092, G>C on the plus strand (C>G on the coding strand, the complement: POLQ is on the minus strand). VCF-style: chr3-121440092-G-C. GRCh37 (hg19) VCF-style: chr3-121158939-G-C.
Other names: short protein forms T2430R.
Identifiers: ClinVar variation 3422603 (VCV003422603.1).